The following is an entry in ClinVar:

ClinVar aggregate classification (germline): Uncertain significance. Review status: criteria provided, multiple submitters, no conflicts (2 of 4 stars). 2 submissions from 2 submitters: Uncertain significance (2). Last evaluated 2025-11-13.

Conditions:
Inborn genetic diseases. Identifiers: MedGen C0950123, MeSH D030342.

gnomAD v4.1: 59 of 1,614,058 alleles (0.0037%); highest among the groups gnomAD compares: East Asian, 0.049%; no homozygotes.

Submissions (2):

Labcorp Genetics (formerly Invitae), Labcorp
Classification: Uncertain significance. Last evaluated: 2025-11-13. Review status: criteria provided, single submitter. Criteria: Invitae Variant Classification Sherloc (09022015). Collection method: clinical testing. Allele origin: germline.
Comment: This sequence change replaces proline, which is neutral and non-polar, with histidine, which is basic and polar, at codon 234 of the DCHS1 protein (p.Pro234His). This variant is present in population databases (rs149022037, gnomAD 0.04%). This variant has not been reported in the literature in individuals affected with DCHS1-related conditions. ClinVar contains an entry for this variant (Variation ID: 2886921). Invitae Evidence Modeling of protein sequence and biophysical properties (such as structural, functional, and spatial information, amino acid conservation, physicochemical variation, residue mobility, and thermodynamic stability) indicates that this missense variant is not expected to disrupt DCHS1 protein function with a negative predictive value of 95%. In summary, the available evidence is currently insufficient to determine the role of this variant in disease. Therefore, it has been classified as a Variant of Uncertain Significance.

Ambry Genetics
Classification: Uncertain significance for Inborn genetic diseases. Last evaluated: 2024-02-05. Review status: criteria provided, single submitter. Criteria: Ambry Variant Classification Scheme 2023. Collection method: clinical testing. Allele origin: germline.

NM_003737.4(DCHS1):c.701C>A (p.Pro234His)

Gene: DCHS1 (dachsous cadherin-related 1; minus strand). Cytogenetic location: 11p15.4.
Variant type: single nucleotide variant.
Coding change: c.701C>A on transcript NM_003737.4 (MANE Select); coding-DNA position 701, C replaced by A.
Protein change: p.Pro234His; replaces proline 234 with histidine.
Molecular consequence: missense variant.
Genome position (GRCh38, 1-based): chr11:6,640,913, G>T on the plus strand (C>A on the coding strand, the complement: DCHS1 is on the minus strand). VCF-style: chr11-6640913-G-T. GRCh37 (hg19) VCF-style: chr11-6662144-G-T.
Other names: c.701C>A (NM_003737.2); short protein forms P234H.
Identifiers: ClinVar variation 2886921 (VCV002886921.4), dbSNP rs149022037, ClinGen allele CA5861107.